The following is an entry in ClinVar:

NM_001395460.1(TENM2):c.2770T>G (p.Phe924Val)

Gene: TENM2 (teneurin transmembrane protein 2; plus strand). Cytogenetic location: 5q34.
Variant type: single nucleotide variant.
Coding change: c.2770T>G on transcript NM_001395460.1 (MANE Select); coding-DNA position 2770, T replaced by G.
Protein change: p.Phe924Val; replaces phenylalanine 924 with valine.
Molecular consequence: missense variant.
Genome position (GRCh38, 1-based): chr5:168,190,537, T>G. VCF-style: chr5-168190537-T-G. GRCh37 (hg19) VCF-style: chr5-167617542-T-G.
Other names: c.2074T>G, p.Phe692Val (NM_001080428.3); c.2743T>G, p.Phe915Val (NM_001122679.2); c.2314T>G, p.Phe772Val (NM_001368145.1); c.2287T>G, p.Phe763Val (NM_001368146.1); short protein forms F692V, F763V, F772V, F915V, F924V.
Identifiers: ClinVar variation 2656028 (VCV002656028.24), dbSNP rs2536289225, ClinGen allele CA362061196.

ClinVar aggregate classification (germline): Uncertain significance (1 of 4 stars; one submission).

Submission:

CeGaT Center for Human Genetics Tuebingen
Classification: Uncertain significance. Last evaluated: 2023-02-01. Review status: criteria provided, single submitter. Criteria: CeGaT Center For Human Genetics Tuebingen Variant Classification Criteria Version 2. Collection method: clinical testing. Allele origin: germline. Affected: yes. Observed: 1 variant allele.
Comment: TENM2: PM2, PP3